The following is an entry in ClinVar:

NM_144687.4(NLRP12):c.917C>T (p.Pro306Leu)

Gene: NLRP12 (NLR family pyrin domain containing 12; minus strand). Cytogenetic location: 19q13.42.
Variant type: single nucleotide variant.
Coding change: c.917C>T on transcript NM_144687.4 (MANE Select); coding-DNA position 917, C replaced by T.
Protein change: p.Pro306Leu; replaces proline 306 with leucine.
Molecular consequence: missense variant.
Genome position (GRCh38, 1-based): chr19:53,810,742, G>A on the plus strand (C>T on the coding strand, the complement: NLRP12 is on the minus strand). VCF-style: chr19-53810742-G-A. GRCh37 (hg19) VCF-style: chr19-54313996-G-A.
Other names: c.917C>T, p.Pro306Leu (NM_001277126.2, NM_001277129.1); short protein forms P306L.
Identifiers: ClinVar variation 493268 (VCV000493268.49), dbSNP rs949584865, ClinGen allele CA310070877.

ClinVar aggregate classification (germline): Uncertain significance. Review status: criteria provided, multiple submitters, no conflicts (2 of 4 stars). 2 submissions from 2 submitters: Uncertain significance (2). Last evaluated 2021-04-09.

Conditions:
Familial cold autoinflammatory syndrome 2 (FCAS2). Identifiers: Orphanet 247868, MedGen C2673198, MONDO:0012724, OMIM 611762.

Submissions (2):

Labcorp Genetics (formerly Invitae), Labcorp
Classification: Uncertain significance for Familial cold autoinflammatory syndrome 2. Last evaluated: 2021-04-09. Review status: criteria provided, single submitter. Criteria: Invitae Variant Classification Sherloc (09022015). Collection method: clinical testing. Allele origin: germline.
Comment: In summary, the available evidence is currently insufficient to determine the role of this variant in disease. Therefore, it has been classified as a Variant of Uncertain Significance. Algorithms developed to predict the effect of missense changes on protein structure and function are either unavailable or do not agree on the potential impact of this missense change (SIFT: "Tolerated"; PolyPhen-2: "Possibly Damaging"; Align-GVGD: "Class C0"). This variant has not been reported in the literature in individuals with NLRP12-related conditions. ClinVar contains an entry for this variant (Variation ID: 493268). This variant is not present in population databases (ExAC no frequency). This sequence change replaces proline with leucine at codon 306 of the NLRP12 protein (p.Pro306Leu). The proline residue is moderately conserved and there is a moderate physicochemical difference between proline and leucine.

CeGaT Center for Human Genetics Tuebingen
Classification: Uncertain significance. Last evaluated: 2017-10-01. Review status: criteria provided, single submitter. Criteria: CeGaT Center For Human Genetics Tuebingen Variant Classification Criteria Version 2. Collection method: clinical testing. Allele origin: germline. Affected: yes. Observed: 1 variant allele.